The following is an entry in ClinVar:

ClinVar aggregate classification (germline): Uncertain significance (1 of 4 stars; one submission).

Conditions:
Myasthenic syndrome, congenital, 22 (CMS22). Also called: PREPL DEFICIENCY. Identifiers: MedGen C4479088, MONDO:0044299, OMIM 616224.

Allele frequency attached by ClinVar (database versions not stated): ExAC 0.00002; gnomAD exomes 0.00002; gnomAD 0.00003 and 0.00004; TOPMed 0.00003.
gnomAD v4.1: 38 of 1,607,600 alleles (0.0024%); highest among the groups gnomAD compares: Non-Finnish European, 0.0029%; no homozygotes.

Submission:

Labcorp Genetics (formerly Invitae), Labcorp
Classification: Uncertain significance for Myasthenic syndrome, congenital, 22. Last evaluated: 2021-03-18. Review status: criteria provided, single submitter. Criteria: Invitae Variant Classification Sherloc (09022015). Collection method: clinical testing. Allele origin: germline.
Comment: In summary, the available evidence is currently insufficient to determine the role of this variant in disease. Therefore, it has been classified as a Variant of Uncertain Significance. Algorithms developed to predict the effect of missense changes on protein structure and function are either unavailable or do not agree on the potential impact of this missense change (SIFT: "Tolerated"; PolyPhen-2: "Possibly Damaging"; Align-GVGD: "Class C0"). This variant has not been reported in the literature in individuals with PREPL-related conditions. This variant is present in population databases (rs778761279, ExAC 0.003%). This sequence change replaces alanine with valine at codon 328 of the PREPL protein (p.Ala328Val). The alanine residue is moderately conserved and there is a small physicochemical difference between alanine and valine.

NM_001171613.2(PREPL):c.716C>T (p.Ala239Val)

Gene: PREPL (prolyl endopeptidase like; minus strand). Cytogenetic location: 2p21.
Variant type: single nucleotide variant.
Coding change: c.716C>T on transcript NM_001171613.2 (MANE Select); coding-DNA position 716, C replaced by T.
Protein change: p.Ala239Val; replaces alanine 239 with valine.
Molecular consequence: missense variant. On other transcripts: intron variant (1).
Genome position (GRCh38, 1-based): chr2:44,338,523, G>A on the plus strand (C>T on the coding strand, the complement: PREPL is on the minus strand). VCF-style: chr2-44338523-G-A. GRCh37 (hg19) VCF-style: chr2-44565662-G-A.
Other names: c.983C>T, p.Ala328Val (NM_006036.4, NM_001042386.2, NM_001171603.1 and 3 more transcripts); c.716C>T, p.Ala239Val (NM_001171617.1, NM_001374277.1); c.969+624C>T (NM_001042385.2); short protein forms A239V, A328V.
Identifiers: ClinVar variation 950901 (VCV000950901.9), dbSNP rs778761279, ClinGen allele CA1641361.